The following is an entry in ClinVar:

ClinVar aggregate classification (germline): Benign/Likely benign. Review status: criteria provided, multiple submitters, no conflicts (2 of 4 stars). 13 submissions from 12 submitters: Benign (10); Likely benign (2). 1 of the submissions does not count toward it. Last evaluated 2026-02-02.

Conditions:
RYR1-related disorder. Also called: RYR1-related disorders; RYR1-related condition. Identifiers: MedGen CN239331.
Congenital multicore myopathy with external ophthalmoplegia (CMYO1B). Also called: Minicore myopathy with external ophthalmoplegia; MULTIMINICORE DISEASE WITH EXTERNAL OPHTHALMOPLEGIA; MULTICORE MYOPATHY; Congenital myopathy 1B, autosomal recessive; Minicore myopathy. Identifiers: Orphanet 598, Orphanet 98905, MedGen C1850674, MONDO:0009712, OMIM 255320, HP:0003789.
Malignant hyperthermia, susceptibility to, 1 (MHS1). Also called: Anesthesia related hyperthermia; Malignant hyperpyrexia; Fulminating hyperpyrexia; Pharmacogenic myopathy; Malignant hyperthermia suceptibility 1; RYR1-Related Malignant Hyperthermia Susceptibility. Identifiers: Orphanet 423, MedGen C2930980, MONDO:0007783, OMIM 145600.

Allele frequency attached by ClinVar (database versions not stated): gnomAD exomes 0.00142; ExAC 0.00298; gnomAD 0.00563 and 0.00607; ESP Exome Variant Server 0.00604; 1000 Genomes Project 30x 0.00640; 1000 Genomes Project 0.00679; TOPMed 0.00706.

Submissions (13):

Labcorp Genetics (formerly Invitae), Labcorp
Classification: Benign for RYR1-related disorder. Last evaluated: 2026-02-02. Review status: criteria provided, single submitter. Criteria: Invitae Variant Classification Sherloc (09022015). Collection method: clinical testing. Allele origin: germline.

ARUP Laboratories, Molecular Genetics and Genomics, ARUP Laboratories
Classification: Benign. Last evaluated: 2025-06-11. Review status: criteria provided, single submitter. Criteria: ARUP Molecular Germline Variant Investigation Process 2024. Collection method: clinical testing. Allele origin: germline.

Blueprint Genetics
Classification: Likely benign. Last evaluated: 2024-11-21. Review status: criteria provided, single submitter. Criteria: ACMG Guidelines, 2015. Collection method: clinical testing. Allele origin: germline.

Mayo Clinic Laboratories, Mayo Clinic
Classification: Benign. Last evaluated: 2024-08-27. Review status: criteria provided, single submitter. Criteria: ACMG Guidelines, 2015. Collection method: clinical testing. Allele origin: germline. Observed: 3 variant alleles.
Comment: BS1, BS2, BP4, BP7

Color Diagnostics, LLC DBA Color Health
Classification: Benign for Malignant hyperthermia, susceptibility to, 1. Last evaluated: 2022-08-17. Review status: criteria provided, single submitter. Criteria: ACMG Guidelines, 2015. Collection method: clinical testing. Allele origin: germline.

Illumina Laboratory Services, Illumina
Classification: Benign for Congenital multicore myopathy with external ophthalmoplegia. Last evaluated: 2018-01-13. Review status: criteria provided, single submitter. Criteria: ICSL Variant Classification Criteria 13 December 2019. Collection method: clinical testing. Allele origin: germline.
Comment: This variant was observed in the ICSL laboratory as part of a predisposition screen in an ostensibly healthy population. It had not been previously curated by ICSL or reported in the Human Gene Mutation Database (HGMD: prior to June 1st, 2018), and was therefore a candidate for classification through an automated scoring system. Utilizing variant allele frequency, disease prevalence and penetrance estimates, and inheritance mode, an automated score was calculated to assess if this variant is too frequent to cause the disease. Based on the score and internal cut-off values, a variant classified as benign is not then subjected to further curation. The score for this variant resulted in a classification of benign for this disease.

Illumina Laboratory Services, Illumina
Classification: Benign for Malignant hyperthermia, susceptibility to, 1. Last evaluated: 2018-01-13. Review status: criteria provided, single submitter. Criteria: ICSL Variant Classification Criteria 13 December 2019. Collection method: clinical testing. Allele origin: germline.
Comment: the same text as in the submission from Illumina Laboratory Services, Illumina above.

PreventionGenetics, part of Exact Sciences
Classification: Benign. Last evaluated: 2017-10-20. Review status: criteria provided, single submitter. Criteria: ACMG Guidelines, 2015. Collection method: clinical testing. Allele origin: germline.

Athena Diagnostics
Classification: Benign. Last evaluated: 2016-08-15. Review status: criteria provided, single submitter. Criteria: Athena Diagnostics Criteria. Collection method: clinical testing. Allele origin: germline.

GeneDx
Classification: Benign. Last evaluated: 2016-06-23. Review status: criteria provided, single submitter. Criteria: GeneDx Variant Classification (06012015). Collection method: clinical testing. Allele origin: germline. Affected: yes.
Comment: This variant is considered likely benign or benign based on one or more of the following criteria: it is a conservative change, it occurs at a poorly conserved position in the protein, it is predicted to be benign by multiple in silico algorithms, and/or has population frequency not consistent with disease.

Eurofins Ntd Llc (ga)
Classification: Benign. Last evaluated: 2014-04-30. Review status: criteria provided, single submitter. Criteria: EGL Classification Definitions 2015. Collection method: clinical testing. Allele origin: germline. Observed: 1 variant allele, 1 heterozygote.

Breakthrough Genomics
Classification: Likely benign. Review status: criteria provided, single submitter. Criteria: ACMG Guidelines, 2015. Collection method: not provided. Allele origin: germline. Inheritance: Autosomal recessive inheritance. Affected: yes.

RYR1 database
No classification provided. Review status: no classification provided. Collection method: not provided. Allele origin: unknown. Not counted in ClinVar's aggregate classification.

Literature cited by the submitters: PubMed 16917943 (cited by Athena Diagnostics).

NM_000540.3(RYR1):c.4719G>A (p.Pro1573=)

Gene: RYR1 (ryanodine receptor 1; plus strand). Cytogenetic location: 19q13.2.
Variant type: single nucleotide variant.
Coding change: c.4719G>A on transcript NM_000540.3 (MANE Select); coding-DNA position 4719, G replaced by A.
Protein change: p.Pro1573=; no amino-acid change (proline 1573 retained).
Molecular consequence: synonymous variant.
Genome position (GRCh38, 1-based): chr19:38,483,301, G>A. VCF-style: chr19-38483301-G-A. GRCh37 (hg19) VCF-style: chr19-38973941-G-A.
Other names: p.Pro1573=; c.4719G>A, p.Pro1573= (NM_001042723.2).
Identifiers: ClinVar variation 133134 (VCV000133134.24), dbSNP rs35480887, ClinGen allele CA024457.